The following is an entry in ClinVar:

NM_173628.4(DNAH17):c.12580G>A (p.Glu4194Lys)

Gene: DNAH17 (dynein axonemal heavy chain 17; minus strand). Cytogenetic location: 17q25.3.
Variant type: single nucleotide variant.
Coding change: c.12580G>A on transcript NM_173628.4 (MANE Select); coding-DNA position 12580, G replaced by A.
Protein change: p.Glu4194Lys; replaces glutamic acid 4194 with lysine.
Molecular consequence: missense variant.
Genome position (GRCh38, 1-based): chr17:78,428,533, C>T on the plus strand (G>A on the coding strand, the complement: DNAH17 is on the minus strand). VCF-style: chr17-78428533-C-T. GRCh37 (hg19) VCF-style: chr17-76424614-C-T.
Other names: short protein forms E4194K.
Identifiers: ClinVar variation 2370067 (VCV002370067.17), dbSNP rs146538664, ClinGen allele CA8799988.
Genomic context (GRCh38, chr17:78,428,533, plus strand): 5'-GTTCTAGATCCTCCCCCTTCCTCTCGCTTGGGAGCAGTTTCAAAGATCCTGCCTTCTCCT[C>T]GCGGGACACTCCCGTGCCTGCCCCCGAGTCCGTCTCTTTTGGCTGCATTTCCAGGACAGT-3'
Protein context (NP_775899.3, residues 4184-4204): DSGAGTGVSR[Glu4194Lys]EKVKAVLDDI

ClinVar aggregate classification (germline): Uncertain significance. Review status: criteria provided, multiple submitters, no conflicts (2 of 4 stars). 2 submissions from 2 submitters: Uncertain significance (2). Last evaluated 2024-11-01.

Conditions:
Inborn genetic diseases. Identifiers: MedGen C0950123, MeSH D030342.

Allele frequency attached by ClinVar (database versions not stated): gnomAD 0.00006; gnomAD exomes 0.00006; ESP Exome Variant Server 0.00008; TOPMed 0.00011; ExAC 0.00015.
gnomAD v4.1: 92 of 1,605,180 alleles (0.0057%); highest among the groups gnomAD compares: Admixed American, 0.034%; no homozygotes.

Submissions (2):

CeGaT Center for Human Genetics Tuebingen
Classification: Uncertain significance. Last evaluated: 2024-11-01. Review status: criteria provided, single submitter. Criteria: CeGaT Center For Human Genetics Tuebingen Variant Classification Criteria Version 2. Collection method: clinical testing. Allele origin: germline. Affected: yes. Observed: 1 variant allele.
Comment: DNAH17: PM2

Ambry Genetics
Classification: Uncertain significance for Inborn genetic diseases. Last evaluated: 2024-04-09. Review status: criteria provided, single submitter. Criteria: Ambry Variant Classification Scheme 2023. Collection method: clinical testing. Allele origin: germline.